The following is an entry in ClinVar:

NM_001130987.2(DYSF):c.5056C>G (p.Leu1686Val)

Gene: DYSF (dysferlin; plus strand). Cytogenetic location: 2p13.2.
Variant type: single nucleotide variant.
Coding change: c.5056C>G on transcript NM_001130987.2 (MANE Select); coding-DNA position 5056, C replaced by G.
Protein change: p.Leu1686Val; replaces leucine 1686 with valine.
Molecular consequence: missense variant.
Genome position (GRCh38, 1-based): chr2:71,664,320, C>G. VCF-style: chr2-71664320-C-G. GRCh37 (hg19) VCF-style: chr2-71891450-C-G.
Other names: c.4942C>G, p.Leu1648Val (NM_001130455.2); c.4897C>G, p.Leu1633Val (NM_001130976.2); c.4960C>G, p.Leu1654Val (NM_001130977.2); c.5002C>G, p.Leu1668Val (NM_001130978.2); c.5032C>G, p.Leu1678Val (NM_001130979.2); c.4990C>G, p.Leu1664Val (NM_001130980.2); c.5053C>G, p.Leu1685Val (NM_001130981.2); c.5035C>G, p.Leu1679Val (NM_001130982.2); and 5 more; short protein forms L1647V, L1686V, L1668V, L1633V, L1634V, L1655V, L1669V, L1648V.
Identifiers: ClinVar variation 282820 (VCV000282820.7), dbSNP rs886042492, ClinGen allele CA10604309.
Genomic context (GRCh38, chr2:71,664,320, plus strand): 5'-TCCTGCAGGATGTTCGAGCTGACCTGCACTCTGCCTCTGGAGAAGGACCTAAAGATCACT[C>G]TCTATGACTATGACCTCCTCTCCAAGGACGAAAAGATCGGTGAGACGGTCGTCGACCTGG-3'
Protein context (NP_001124459.1, residues 1676-1696): LPLEKDLKIT[Leu1686Val]YDYDLLSKDE

ClinVar aggregate classification (germline): Uncertain significance. Review status: criteria provided, multiple submitters, no conflicts (2 of 4 stars). 3 submissions from 3 submitters: Uncertain significance (2). 1 of the submissions does not count toward it. Last evaluated 2021-08-27.

Conditions:
Neuromuscular disease caused by qualitative or quantitative defects of dysferlin. Also called: Qualitative or quantitative defects of dysferlin; Dysferlinopathy. Identifiers: Orphanet 207073, MedGen C2931687, MONDO:0016145.
Autosomal recessive limb-girdle muscular dystrophy type 2B (LGMDR2). Also called: Limb-Girdle Muscular Dystrophy Type 2B (LGMD2B); Limb-girdle muscular dystrophy, type 2B; MUSCULAR DYSTROPHY, LIMB-GIRDLE, AUTOSOMAL RECESSIVE 2; MUSCULAR DYSTROPHY, LIMB-GIRDLE, TYPE 3. Identifiers: Orphanet 268, MedGen C1850889, MONDO:0009676, OMIM 253601.

Allele frequency attached by ClinVar (database versions not stated): gnomAD exomes below 0.00001; gnomAD 0.00001; TOPMed 0.00001.
gnomAD v4.1: 5 of 1,614,084 alleles (0.00031%); highest among the groups gnomAD compares: Non-Finnish European, 0.00025%; no homozygotes.

Submissions (3):

Labcorp Genetics (formerly Invitae), Labcorp
Classification: Uncertain significance for Neuromuscular disease caused by qualitative or quantitative defects of dysferlin. Last evaluated: 2021-08-27. Review status: criteria provided, single submitter. Criteria: Invitae Variant Classification Sherloc (09022015). Collection method: clinical testing. Allele origin: germline.
Comment: This sequence change replaces leucine with valine at codon 1647 of the DYSF protein (p.Leu1647Val). The leucine residue is moderately conserved and there is a small physicochemical difference between leucine and valine. This variant is not present in population databases (ExAC no frequency). This variant has not been reported in the literature in individuals affected with DYSF-related conditions. ClinVar contains an entry for this variant (Variation ID: 282820). Algorithms developed to predict the effect of missense changes on protein structure and function output the following: SIFT: "Tolerated"; PolyPhen-2: "Benign"; Align-GVGD: "Class C0". The valine amino acid residue is found in multiple mammalian species, which suggests that this missense change does not adversely affect protein function. In summary, the available evidence is currently insufficient to determine the role of this variant in disease. Therefore, it has been classified as a Variant of Uncertain Significance.

Eurofins Ntd Llc (ga)
Classification: Uncertain significance. Last evaluated: 2015-08-18. Review status: criteria provided, single submitter. Criteria: EGL Classification Definitions 2015. Collection method: clinical testing. Allele origin: germline. Observed: 2 variant alleles, 2 heterozygotes.

Natera, Inc.
Classification: Uncertain significance for Limb-girdle muscular dystrophy type 2B. Last evaluated: 2020-08-18. Review status: no assertion criteria provided. Collection method: clinical testing. Allele origin: germline. Not counted in ClinVar's aggregate classification.